The following is an entry in ClinVar:

ClinVar aggregate classification (germline): Uncertain significance. Review status: criteria provided, multiple submitters, no conflicts (2 of 4 stars). 2 submissions from 2 submitters: Uncertain significance (2). Last evaluated 2022-01-12.

Conditions:
RASopathy. Also called: rasopathies; Noonan spectrum disorder. Identifiers: Orphanet 536391, MedGen C5555857, MONDO:0021060.

Allele frequency attached by ClinVar (database versions not stated): gnomAD exomes below 0.00001.
gnomAD v4.1: 1 of 1,614,172 alleles (0.000062%); highest among the groups gnomAD compares: Admixed American, 0.0017%; no homozygotes.

Submissions (2):

GeneDx
Classification: Uncertain significance. Last evaluated: 2022-01-12. Review status: criteria provided, single submitter. Criteria: GeneDx Variant Classification Process June 2021. Collection method: clinical testing. Allele origin: germline. Affected: yes.
Comment: Missense variants in this gene are often considered pathogenic (HGMD); In silico analysis supports that this missense variant does not alter protein structure/function; Has not been previously published as pathogenic or benign to our knowledge

Labcorp Genetics (formerly Invitae), Labcorp
Classification: Uncertain significance for RASopathy. Last evaluated: 2020-08-20. Review status: criteria provided, single submitter. Criteria: Invitae Variant Classification Sherloc (09022015). Collection method: clinical testing. Allele origin: germline.
Comment: In summary, the available evidence is currently insufficient to determine the role of this variant in disease. Therefore, it has been classified as a Variant of Uncertain Significance. Algorithms developed to predict the effect of sequence changes on RNA splicing suggest that this variant may create or strengthen a splice site, but this prediction has not been confirmed by published transcriptional studies. Advanced modeling of protein sequence and biophysical properties (such as structural, functional, and spatial information, amino acid conservation, physicochemical variation, residue mobility, and thermodynamic stability) performed at Invitae indicates that this missense variant is not expected to disrupt RAF1 protein function. This variant has not been reported in the literature in individuals with RAF1-related conditions. This variant is not present in population databases (ExAC no frequency). This sequence change replaces methionine with valine at codon 276 of the RAF1 protein (p.Met276Val). The methionine residue is weakly conserved and there is a small physicochemical difference between methionine and valine.

NM_002880.4(RAF1):c.826A>G (p.Met276Val)

Gene: RAF1 (Raf-1 proto-oncogene, serine/threonine kinase; minus strand). Cytogenetic location: 3p25.2.
Variant type: single nucleotide variant.
Coding change: c.826A>G on transcript NM_002880.4 (MANE Select); coding-DNA position 826, A replaced by G.
Protein change: p.Met276Val; replaces methionine 276 with valine.
Molecular consequence: missense variant. On other transcripts: non-coding transcript variant (3).
Genome position (GRCh38, 1-based): chr3:12,604,144, T>C on the plus strand (A>G on the coding strand, the complement: RAF1 is on the minus strand). VCF-style: chr3-12604144-T-C. GRCh37 (hg19) VCF-style: chr3-12645643-T-C.
Other names: c.826A>G, p.Met276Val (NM_001354689.3, NM_001354690.3); c.583A>G, p.Met195Val (NM_001354691.3, NM_001354692.3, NM_001354694.3); c.727A>G, p.Met243Val (NM_001354693.3); c.484A>G, p.Met162Val (NM_001354695.3); short protein forms M162V, M195V, M243V, M276V.
Identifiers: ClinVar variation 1052095 (VCV001052095.10), dbSNP rs1189618862, ClinGen allele CA351511949.